The following is an entry in ClinVar:

NM_001011551.3(C1GALT1C1):c.666G>C (p.Gln222His)

Gene: C1GALT1C1 (C1GALT1 specific chaperone 1; minus strand). Cytogenetic location: Xq24.
Variant type: single nucleotide variant.
Coding change: c.666G>C on transcript NM_001011551.3 (MANE Select); coding-DNA position 666, G replaced by C.
Protein change: p.Gln222His; replaces glutamine 222 with histidine.
Molecular consequence: missense variant.
Genome position (GRCh38, 1-based): chrX:120,626,501, C>G on the plus strand (G>C on the coding strand, the complement: C1GALT1C1 is on the minus strand). VCF-style: chrX-120626501-C-G. GRCh37 (hg19) VCF-style: chrX-119760356-C-G.
Other names: c.666G>C, p.Gln222His (NM_152692.5); short protein forms Q222H.
Identifiers: ClinVar variation 2051173 (VCV002051173.6), dbSNP rs200973382, ClinGen allele CA10505942.

ClinVar aggregate classification (germline): Likely benign. Review status: criteria provided, single submitter (1 of 4 stars). 2 submissions from 2 submitters: Likely benign (1). 1 of the submissions does not count toward it. Last evaluated 2025-11-18.

Conditions:
C1GALT1C1-related disorder. Also called: C1GALT1C1-related condition.
Polyagglutinable erythrocyte syndrome (TNPS). Also called: GALACTOSYLTRANSFERASE DEFICIENCY; TN POLYAGGLUTINATION SYNDROME; TN POLYAGGLUTINATION SYNDROME, SOMATIC. Identifiers: MedGen C0272137, MONDO:0010381, OMIM 300622.

Allele frequency attached by ClinVar (database versions not stated): gnomAD 0.00023; 1000 Genomes Project 0.00026; ESP Exome Variant Server 0.00009; TOPMed 0.00020; 1000 Genomes Project 30x 0.00021; gnomAD exomes 0.00033; ExAC 0.00047.
gnomAD v4.1: 382 of 1,210,871 alleles (0.032%); highest among the groups gnomAD compares: South Asian, 0.19%; no homozygotes.

Submissions (2):

Labcorp Genetics (formerly Invitae), Labcorp
Classification: Likely benign for Polyagglutinable erythrocyte syndrome. Last evaluated: 2025-11-18. Review status: criteria provided, single submitter. Criteria: Invitae Variant Classification Sherloc (09022015). Collection method: clinical testing. Allele origin: germline.

PreventionGenetics, part of Exact Sciences
Classification: Likely benign for C1GALT1C1-related condition. Last evaluated: 2023-02-23. Review status: no assertion criteria provided. Collection method: clinical testing. Allele origin: germline. Not counted in ClinVar's aggregate classification.
Comment: This variant is classified as likely benign based on ACMG/AMP sequence variant interpretation guidelines (Richards et al. 2015 PMID: 25741868, with internal and published modifications).